The following is an entry in ClinVar:

NM_003060.4(SLC22A5):c.860A>G (p.Gln287Arg)

Gene: SLC22A5 (solute carrier family 22 member 5; plus strand). Cytogenetic location: 5q31.1.
Variant type: single nucleotide variant.
Coding change: c.860A>G on transcript NM_003060.4 (MANE Select); coding-DNA position 860, A replaced by G.
Protein change: p.Gln287Arg; replaces glutamine 287 with arginine.
Molecular consequence: missense variant.
Genome position (GRCh38, 1-based): chr5:132,387,060, A>G. VCF-style: chr5-132387060-A-G. GRCh37 (hg19) VCF-style: chr5-131722752-A-G.
Other names: c.860A>G (NM_003060.3); c.932A>G, p.Gln311Arg (NM_001308122.2); short protein forms Q287R, Q311R.
Identifiers: ClinVar variation 4721389 (VCV004721389.2).

ClinVar aggregate classification (germline): Uncertain significance. Review status: criteria provided, multiple submitters, no conflicts (2 of 4 stars). 2 submissions from 2 submitters: Uncertain significance (2). Last evaluated 2026-05-21.

Conditions:
Inborn genetic diseases. Identifiers: MedGen C0950123, MeSH D030342.
Renal carnitine transport defect (CDSP). Also called: CARNITINE DEFICIENCY, SYSTEMIC, DUE TO DEFECT IN RENAL REABSORPTION OF CARNITINE; CARNITINE TRANSPORTER, PLASMA-MEMBRANE, DEFICIENCY OF; CARNITINE UPTAKE DEFECT; Primary carnitine deficiency; Systemic primary carnitine deficiency; Carnitine transporter deficiency. Identifiers: Orphanet 158, MedGen C0342788, MONDO:0008919, OMIM 212140.

Submissions (2):

Ambry Genetics
Classification: Uncertain significance for Inborn genetic diseases. Last evaluated: 2026-05-21. Review status: criteria provided, single submitter. Criteria: Ambry Variant Classification Scheme 2023. Collection method: clinical testing. Allele origin: germline.

Labcorp Genetics (formerly Invitae), Labcorp
Classification: Uncertain significance for Renal carnitine transport defect. Last evaluated: 2025-08-16. Review status: criteria provided, single submitter. Criteria: Invitae Variant Classification Sherloc (09022015). Collection method: clinical testing. Allele origin: germline.
Comment: This sequence change replaces glutamine, which is neutral and polar, with arginine, which is basic and polar, at codon 287 of the SLC22A5 protein (p.Gln287Arg). This variant is not present in population databases (gnomAD no frequency). This variant has not been reported in the literature in individuals affected with SLC22A5-related conditions. Invitae Evidence Modeling of protein sequence and biophysical properties (such as structural, functional, and spatial information, amino acid conservation, physicochemical variation, residue mobility, and thermodynamic stability) has been performed for this missense variant. However, the output from this modeling did not meet the statistical confidence thresholds required to predict the impact of this variant on SLC22A5 protein function. In summary, the available evidence is currently insufficient to determine the role of this variant in disease. Therefore, it has been classified as a Variant of Uncertain Significance.